The following is an entry in ClinVar:

ClinVar aggregate classification (germline): Conflicting classifications of pathogenicity. Review status: criteria provided, conflicting classifications (1 of 4 stars). 4 submissions from 4 submitters: Uncertain significance (2); Likely benign (2). Last evaluated 2026-05-18.

Conditions:
Intellectual developmental disorder, autosomal dominant 6, with or without seizures. Also called: Intellectual disability, autosomal dominant 6; GRIN2B-related developmental delay, intellectual disability and autism spectrum disorder. Identifiers: Orphanet 589547, MedGen C3151411, MONDO:0013509, OMIM 613970.
Developmental and epileptic encephalopathy, 27 (DEE27). Also called: Epileptic encephalopathy, early infantile, 27; GRIN2B-Related Neurodevelopmental Disorder. Identifiers: Orphanet 3451, MedGen C4015316, MONDO:0014505, OMIM 616139.
Inborn genetic diseases. Identifiers: MedGen C0950123, MeSH D030342.

Allele frequency attached by ClinVar (database versions not stated): ExAC 0.00001; gnomAD exomes 0.00003; gnomAD 0.00004; TOPMed 0.00006; ESP Exome Variant Server 0.00008.
gnomAD v4.1: 43 of 1,614,048 alleles (0.0027%); highest among the groups gnomAD compares: African/African-American, 0.0093%; no homozygotes.

Submissions (4):

Women's Health and Genetics/Laboratory Corporation of America, LabCorp
Classification: Uncertain significance. Last evaluated: 2026-05-18. Review status: criteria provided, single submitter. Criteria: LabCorp Variant Classification Summary - May 2015. Collection method: clinical testing. Allele origin: germline.
Comment: Variant summary: GRIN2B c.3812C>T (p.Ala1271Val) results in a non-conservative amino acid change located in the Glutamate [NMDA] receptor, epsilon subunit, C-terminal domain (IPR018884) of the encoded protein sequence. Algorithms developed to predict the effect of missense changes on protein structure and function are either unavailable or do not agree on the potential impact of this missense change. The variant allele was found at a frequency of 2.8e-05 in 251438 control chromosomes. The available data on variant occurrences in the general population are insufficient to allow any conclusion about variant significance. To our knowledge, no occurrence of c.3812C>T in individuals affected with GRIN2B-related conditions and no experimental evidence demonstrating its impact on protein function have been reported. ClinVar contains an entry for this variant (Variation ID: 245739). Based on the evidence outlined above, the variant was classified as uncertain significance.

Ambry Genetics
Classification: Likely benign for Inborn genetic diseases. Last evaluated: 2025-12-03. Review status: criteria provided, single submitter. Criteria: Ambry Variant Classification Scheme 2023. Collection method: clinical testing. Allele origin: germline.

Labcorp Genetics (formerly Invitae), Labcorp
Classification: Uncertain significance for Developmental and epileptic encephalopathy, 27; Intellectual developmental disorder, autosomal dominant 6, with or without seizures. Last evaluated: 2025-08-21. Review status: criteria provided, single submitter. Criteria: Invitae Variant Classification Sherloc (09022015). Collection method: clinical testing. Allele origin: germline.
Comment: This sequence change replaces alanine, which is neutral and non-polar, with valine, which is neutral and non-polar, at codon 1271 of the GRIN2B protein (p.Ala1271Val). This variant is present in population databases (rs372379846, gnomAD 0.008%). This variant has not been reported in the literature in individuals affected with GRIN2B-related conditions. ClinVar contains an entry for this variant (Variation ID: 245739). Invitae Evidence Modeling of protein sequence and biophysical properties (such as structural, functional, and spatial information, amino acid conservation, physicochemical variation, residue mobility, and thermodynamic stability) indicates that this missense variant is not expected to disrupt GRIN2B protein function with a negative predictive value of 95%. In summary, the available evidence is currently insufficient to determine the role of this variant in disease. Therefore, it has been classified as a Variant of Uncertain Significance.

GeneDx
Classification: Likely benign. Last evaluated: 2020-03-04. Review status: criteria provided, single submitter. Criteria: GeneDx Variant Classification Process June 2021. Collection method: clinical testing. Allele origin: germline. Affected: yes.

NM_000834.5(GRIN2B):c.3812C>T (p.Ala1271Val)

Gene: GRIN2B (glutamate ionotropic receptor NMDA type subunit 2B; minus strand). Cytogenetic location: 12p13.1.
Variant type: single nucleotide variant.
Coding change: c.3812C>T on transcript NM_000834.5 (MANE Select); coding-DNA position 3812, C replaced by T.
Protein change: p.Ala1271Val; replaces alanine 1271 with valine.
Molecular consequence: missense variant.
Genome position (GRCh38, 1-based): chr12:13,563,426, G>A on the plus strand (C>T on the coding strand, the complement: GRIN2B is on the minus strand). VCF-style: chr12-13563426-G-A. GRCh37 (hg19) VCF-style: chr12-13716360-G-A.
Other names: short protein forms A1271V.
Identifiers: ClinVar variation 245739 (VCV000245739.10), dbSNP rs372379846, ClinGen allele CA6460842.
Genomic context (GRCh38, chr12:13,563,426, plus strand): 5'-TGGGCCTTGGAATTAGTCGGGCTCTGAGGGTACTTAGTGGTGGAGGCGTTTGACGTCACC[G>A]CCACTGGGGCAGCCGGCTGGTCCAGTTCCTGCAGGGAGTTGTCCTCACTGATGTCATACA-3'
Protein context (NP_000825.2, residues 1261-1281): QELDQPAAPV[Ala1271Val]VTSNASTTKY